The following is an entry in ClinVar:

ClinVar aggregate classification (germline): Conflicting classifications of pathogenicity. Review status: criteria provided, conflicting classifications (1 of 4 stars). 5 submissions from 5 submitters: Uncertain significance (4); Likely benign (1). Last evaluated 2026-03-15.

Conditions:
Hereditary cancer-predisposing syndrome. Also called: Hereditary neoplastic syndrome; Hereditary Cancer Syndrome; Neoplastic Syndromes, Hereditary; Tumor predisposition. Identifiers: Orphanet 140162, MedGen C0027672, MeSH D009386, MONDO:0015356.
Hereditary breast ovarian cancer syndrome. Also called: Hereditary breast and/or ovarian cancer syndrome; BRCA1- and BRCA2-Associated Hereditary Breast and Ovarian Cancer; Hereditary breast and ovarian cancer syndrome (HBOC); Breast and ovarian cancer; Hereditary breast and ovarian cancer syndrome; Hereditary breast and ovarian cancer. Identifiers: Orphanet 145, MedGen C0677776, MeSH D061325, MONDO:0003582. Disease mechanism: loss of function.

Submissions (5):

Ambry Genetics
Classification: Uncertain significance for Hereditary cancer-predisposing syndrome. Last evaluated: 2026-03-15. Review status: criteria provided, single submitter. Criteria: Ambry Variant Classification Scheme 2023. Collection method: clinical testing. Allele origin: germline.
Comment: The p.G1184S variant (also known as c.3550G>A), located in coding exon 10 of the BRCA2 gene, results from a G to A substitution at nucleotide position 3550. The glycine at codon 1184 is replaced by serine, an amino acid with similar properties. This amino acid position is conserved. In addition, this alteration is predicted to be tolerated by in silico analysis. Based on the available evidence, the clinical significance of this variant remains unclear.

Labcorp Genetics (formerly Invitae), Labcorp
Classification: Uncertain significance for Hereditary breast ovarian cancer syndrome. Last evaluated: 2025-12-13. Review status: criteria provided, single submitter. Criteria: Invitae Variant Classification Sherloc (09022015). Collection method: clinical testing. Allele origin: germline.
Comment: This sequence change replaces glycine, which is neutral and non-polar, with serine, which is neutral and polar, at codon 1184 of the BRCA2 protein (p.Gly1184Ser). This variant is not present in population databases (gnomAD no frequency). This variant has not been reported in the literature in individuals affected with BRCA2-related conditions. ClinVar contains an entry for this variant (Variation ID: 945726). Invitae Evidence Modeling of protein sequence and biophysical properties (such as structural, functional, and spatial information, amino acid conservation, physicochemical variation, residue mobility, and thermodynamic stability) indicates that this missense variant is not expected to disrupt BRCA2 protein function with a negative predictive value of 95%. In summary, the available evidence is currently insufficient to determine the role of this variant in disease. Therefore, it has been classified as a Variant of Uncertain Significance.

Color Diagnostics, LLC DBA Color Health
Classification: Uncertain significance for Hereditary cancer-predisposing syndrome. Last evaluated: 2024-09-24. Review status: criteria provided, single submitter. Criteria: ACMG Guidelines, 2015. Collection method: clinical testing. Allele origin: germline.
Comment: This missense variant replaces glycine with serine at codon 1184 of the BRCA2 protein. Computational prediction suggests that this variant may not impact protein structure and function. To our knowledge, functional studies have not been reported for this variant. This variant has not been reported in individuals affected with BRCA2-related disorders in the literature. This variant has not been identified in the general population by the Genome Aggregation Database (gnomAD). The available evidence is insufficient to determine the role of this variant in disease conclusively. Therefore, this variant is classified as a Variant of Uncertain Significance.

University of Washington Department of Laboratory Medicine, University of Washington
Classification: Likely benign for Hereditary cancer-predisposing syndrome. Last evaluated: 2023-03-23. Review status: criteria provided, single submitter. Criteria: Dines et al. (Genet Med. 2020). Collection method: curation. Allele origin: germline.
Comment: Missense variant in a coldspot region where missense variants are very unlikely to be pathogenic (PMID:31911673).

BRCA2 exon 11 coldspot. Reclassification based on statistical prior probability.

Blueprint Genetics
Classification: Uncertain significance. Last evaluated: 2022-10-28. Review status: criteria provided, single submitter. Criteria: ACMG Guidelines, 2015. Collection method: clinical testing. Allele origin: germline.

NM_000059.4(BRCA2):c.3550G>A (p.Gly1184Ser)

Gene: BRCA2 (BRCA2 DNA repair associated; plus strand). Cytogenetic location: 13q13.1.
Variant type: single nucleotide variant.
Coding change: c.3550G>A on transcript NM_000059.4 (MANE Select); coding-DNA position 3550, G replaced by A.
Protein change: p.Gly1184Ser; replaces glycine 1184 with serine.
Molecular consequence: missense variant.
Genome position (GRCh38, 1-based): chr13:32,337,905, G>A. VCF-style: chr13-32337905-G-A. GRCh37 (hg19) VCF-style: chr13-32912042-G-A.
Other names: short protein forms G1184S.
Identifiers: ClinVar variation 945726 (VCV000945726.14), dbSNP rs1593899860, ClinGen allele CA387777220.
Genomic context (GRCh38, chr13:32,337,905, plus strand): 5'-CTTCATGTCATAATGAATGCCCCATCGATTGGTCAGGTAGACAGCAGCAAGCAATTTGAA[G>A]GTACAGTTGAAATTAAACGGAAGTTTGCTGGCCTGTTGAAAAATGACTGTAACAAAAGTG-3'
Protein context (NP_000050.3, residues 1174-1194): GQVDSSKQFE[Gly1184Ser]TVEIKRKFAG